The following is an entry in ClinVar:

ClinVar aggregate classification (germline): Uncertain significance. Review status: criteria provided, multiple submitters, no conflicts (2 of 4 stars). 2 submissions from 2 submitters: Uncertain significance (2). Last evaluated 2025-07-03.

Conditions:
Charcot-Marie-Tooth disease type 2. Also called: Charcot-Marie-Tooth type 2. Identifiers: Orphanet 64746, MedGen C0270914, MONDO:0018993.

Allele frequency attached by ClinVar (database versions not stated): gnomAD exomes 0.00002; TOPMed 0.00002; gnomAD 0.00004; 1000 Genomes Project 30x 0.00031; ExAC 0.00002; 1000 Genomes Project 0.00020.
gnomAD v4.1: 36 of 1,614,146 alleles (0.0022%); highest among the groups gnomAD compares: East Asian, 0.025%; no homozygotes.

Submissions (2):

Ambry Genetics
Classification: Uncertain significance. Last evaluated: 2025-07-03. Review status: criteria provided, single submitter. Criteria: Ambry Variant Classification Scheme 2023. Collection method: clinical testing. Allele origin: germline.
Comment: The p.V725M variant (also known as c.2173G>A), located in coding exon 21 of the KIF1B gene, results from a G to A substitution at nucleotide position 2173. The valine at codon 725 is replaced by methionine, an amino acid with highly similar properties. This amino acid position is highly conserved in available vertebrate species. In addition, this alteration is predicted to be tolerated by in silico analysis. Since supporting evidence is limited at this time, the clinical significance of this alteration remains unclear.

Labcorp Genetics (formerly Invitae), Labcorp
Classification: Uncertain significance for Charcot-Marie-Tooth disease type 2. Last evaluated: 2024-11-20. Review status: criteria provided, single submitter. Criteria: Invitae Variant Classification Sherloc (09022015). Collection method: clinical testing. Allele origin: germline.
Comment: This sequence change replaces valine, which is neutral and non-polar, with methionine, which is neutral and non-polar, at codon 725 of the KIF1B protein (p.Val725Met). This variant is present in population databases (rs189631845, gnomAD 0.006%). This variant has not been reported in the literature in individuals affected with KIF1B-related conditions. ClinVar contains an entry for this variant (Variation ID: 1787139). Invitae Evidence Modeling of protein sequence and biophysical properties (such as structural, functional, and spatial information, amino acid conservation, physicochemical variation, residue mobility, and thermodynamic stability) indicates that this missense variant is not expected to disrupt KIF1B protein function with a negative predictive value of 80%. In summary, the available evidence is currently insufficient to determine the role of this variant in disease. Therefore, it has been classified as a Variant of Uncertain Significance.

NM_001365951.3(KIF1B):c.2311G>A (p.Val771Met)

Gene: KIF1B (kinesin family member 1B; plus strand). Cytogenetic location: 1p36.22.
Variant type: single nucleotide variant.
Coding change: c.2311G>A on transcript NM_001365951.3 (MANE Select); coding-DNA position 2311, G replaced by A.
Protein change: p.Val771Met; replaces valine 771 with methionine.
Molecular consequence: missense variant.
Genome position (GRCh38, 1-based): chr1:10,321,810, G>A. VCF-style: chr1-10321810-G-A. GRCh37 (hg19) VCF-style: chr1-10381868-G-A.
Other names: c.2311G>A, p.Val771Met (NM_001365952.1); c.2173G>A, p.Val725Met (NM_015074.3); short protein forms V771M, V725M.
Identifiers: ClinVar variation 1787139 (VCV001787139.10), dbSNP rs189631845, ClinGen allele CA581497.